The following is an entry in ClinVar:

NM_000719.7(CACNA1C):c.4598T>C (p.Leu1533Pro)

Gene: CACNA1C (calcium voltage-gated channel subunit alpha1 C; plus strand). Cytogenetic location: 12p13.33.
Variant type: single nucleotide variant.
Coding change: c.4598T>C on transcript NM_000719.7 (MANE Select); coding-DNA position 4598, T replaced by C.
Protein change: p.Leu1533Pro; replaces leucine 1533 with proline.
Molecular consequence: missense variant.
Genome position (GRCh38, 1-based): chr12:2,666,757, T>C. VCF-style: chr12-2666757-T-C. GRCh37 (hg19) VCF-style: chr12-2775923-T-C.
Other names: c.4742T>C, p.Leu1581Pro (NM_001129827.2, NM_199460.4); c.4664T>C, p.Leu1555Pro (NM_001129829.2); c.4598T>C, p.Leu1533Pro (NM_001129830.3, NM_001129833.2, NM_001129834.2 and 7 more transcripts); c.4682T>C, p.Leu1561Pro (NM_001129831.2); c.4658T>C, p.Leu1553Pro (NM_001129832.2); c.4649T>C, p.Leu1550Pro (NM_001129836.2); c.4565T>C, p.Leu1522Pro (NM_001129837.2, NM_001129838.2, NM_001129846.2 and 1 more transcripts); c.4559T>C, p.Leu1520Pro (NM_001129839.2); and 1 more; short protein forms L1520P, L1522P, L1530P, L1533P, L1550P, L1553P, L1555P, L1561P.
Identifiers: ClinVar variation 4076901 (VCV004076901.1).
Genomic context (GRCh38, chr12:2,666,757, plus strand): 5'-AACACCTGGATGTGGTGACCCTCCTCCGGCGGATTCAGCCGCCACTAGGTTTTGGGAAGC[T>C]GTGCCCTCACCGCGTGGCTTGCAAAGTAAGAGATAACGGGGTTCATGGGAGGGAGAGGGA-3'
Protein context (NP_000710.5, residues 1523-1543): RIQPPLGFGK[Leu1533Pro]CPHRVACKRL

ClinVar aggregate classification (germline): Uncertain significance (1 of 4 stars; one submission).

Submission:

GeneDx
Classification: Uncertain significance. Last evaluated: 2025-02-21. Review status: criteria provided, single submitter. Criteria: GeneDx Variant Classification Process June 2021. Collection method: clinical testing. Allele origin: germline. Affected: yes.
Comment: Not observed at significant frequency in large population cohorts (gnomAD); In silico analysis supports that this missense variant has a deleterious effect on protein structure/function; Has not been previously published as pathogenic or benign to our knowledge